The following is an entry in ClinVar:

NM_001348323.3(TRIP12):c.5429dup (p.His1811fs)

Gene: TRIP12 (thyroid hormone receptor interactor 12; minus strand). Cytogenetic location: 2q36.3.
Variant type: Duplication.
Coding change: c.5429dup on transcript NM_001348323.3 (MANE Select); coding-DNA position 5429, one base duplicated (C; older notation c.5429dupC).
Protein change: p.His1811fs; shifts the reading frame from histidine 1811.
Molecular consequence: frameshift variant.
Genome position (GRCh38, 1-based): chr2:229,777,415, G duplicated on the plus strand (C on the coding strand, the reverse complement: TRIP12 is on the minus strand). VCF-style (leftmost placement, unchanged base first): chr2-229777414-T-TG. GRCh37 (hg19) VCF-style: chr2-230642130-T-TG.
Other names: c.5348dup, p.His1784fs (NM_001284214.2, NM_001348315.2); c.5303dup, p.His1769fs (NM_001284215.2, NM_001348316.2); c.4394dup, p.His1466fs (NM_001284216.2); c.5288dup, p.His1764fs (NM_001348317.1, NM_001348318.2); c.5414dup, p.His1806fs (NM_001348319.1, NM_001348320.2); c.5417dup, p.His1807fs (NM_001348321.1); c.5429dup, p.His1811fs (NM_001348322.1, NM_001348324.2, NM_001348325.2 and 2 more transcripts); c.5432dup, p.His1812fs (NM_001348328.1, NM_001348329.2, NM_001348330.2); and 4 more; short protein forms H1777fs, H1784fs, H1785fs, H1806fs, H1807fs, H1811fs, H1812fs, H1466fs.
Identifiers: ClinVar variation 3775186 (VCV003775186.1).

ClinVar aggregate classification (germline): Likely pathogenic (1 of 4 stars; one submission).

Conditions:
Clark-Baraitser syndrome. Also called: MENTAL RETARDATION, AUTOSOMAL DOMINANT 49; BARAITSER SYNDROME; Mental retardation, tall stature, obesity, macrocephaly and typical facial features; Intellectual disability, autosomal dominant 49. Identifiers: Orphanet 600731, MedGen C2931130, MONDO:0030914, OMIM 617752.

Submission:

3billion
Classification: Likely pathogenic for Clark-Baraitser syndrome. Last evaluated: 2023-11-26. Review status: criteria provided, single submitter. Criteria: ACMG Guidelines, 2015. Collection method: clinical testing. Allele origin: germline. Affected: yes.
Comment: The variant is not observed in the gnomAD v2.1.1 dataset. Predicted Consequence/Location: Frameshift: predicted to result in a loss or disruption of normal protein function through nonsense-mediated decay (NMD) or protein truncation. Multiple pathogenic variants are reported downstream of the variant. Therefore, this variant is classified as Likely pathogenic according to the recommendation of ACMG/AMP guideline.